The following is an entry in ClinVar:

ClinVar aggregate classification (germline): Likely benign (1 of 4 stars; one submission).

Submission:

GeneDx
Classification: Likely benign. Last evaluated: 2018-06-16. Review status: criteria provided, single submitter. Criteria: GeneDx Variant Classification (06012015). Collection method: clinical testing. Allele origin: germline. Affected: yes.
Comment: This variant is considered likely benign or benign based on one or more of the following criteria: it is a conservative change, it occurs at a poorly conserved position in the protein, it is predicted to be benign by multiple in silico algorithms, and/or has population frequency not consistent with disease.

NM_206933.4(USH2A):c.8846-88del

Gene: USH2A (usherin; minus strand). Cytogenetic location: 1q41.
Variant type: Deletion.
Coding change: c.8846-88del on transcript NM_206933.4 (MANE Select); 88 bases into the intron before coding-DNA position 8846, one base deleted (T; older notation c.8846-88delT).
Molecular consequence: intron variant.
Genome position (GRCh38, 1-based): chr1:215,846,121, A deleted on the plus strand (T on the coding strand, the reverse complement: USH2A is on the minus strand); the first of 7 consecutive A bases (chr1:215,846,121-215,846,127); deleting any one gives the same sequence. VCF-style (leftmost placement, unchanged base first): chr1-215846120-GA-G. GRCh37 (hg19) VCF-style: chr1-216019462-GA-G.
Identifiers: ClinVar variation 679380 (VCV000679380.1), dbSNP rs558614513, ClinGen allele CA37444660.